The following is an entry in ClinVar:

NM_001204.7(BMPR2):c.2372_2391del (p.Met791fs)

Gene: BMPR2 (bone morphogenetic protein receptor type 2; plus strand). Cytogenetic location: 2q33.2.
Variant type: Deletion.
Coding change: c.2372_2391del on transcript NM_001204.7 (MANE Select); coding-DNA positions 2372 to 2391, 20 bases deleted (TGAATACAATCAATGCAGCA).
Protein change: p.Met791fs; shifts the reading frame from methionine 791.
Molecular consequence: frameshift variant.
Genome position (GRCh38, 1-based): chr2:202,556,037-202,556,056, TGAATACAATCAATGCAGCA deleted; deleting any 20 consecutive bases within chr2:202,556,036-202,556,056 gives the same sequence; the c. name uses the placement nearest the transcript's 3' end. VCF-style (leftmost placement, unchanged base first): chr2-202556035-GATGAATACAATCAATGCAGC-G. GRCh37 (hg19) VCF-style: chr2-203420758-GATGAATACAATCAATGCAGC-G.
Other names: short protein forms M791fs.
Identifiers: ClinVar variation 2698411 (VCV002698411.3), dbSNP rs2468743535, ClinGen allele CA2697551487.
Genomic context (GRCh38, chr2:202,556,035, plus strand): 5'-GCTAAAATTTGGCAGCAAGCACAAATCAAACTTGAAACAAGTCGAAACTGGAGTTGCCAA[GATGAATACAATCAATGCAGC>G]AGAACCTCATGTGGTGACAGTCACCATGAATGGTGTGGCAGGTAGAAACCACAGTGTTAA-3'

ClinVar aggregate classification (germline): Pathogenic (1 of 4 stars; one submission).

Conditions:
Primary pulmonary hypertension. Also called: Idiopathic pulmonary hypertension. Identifiers: MedGen C0152171.

Submission:

Labcorp Genetics (formerly Invitae), Labcorp
Classification: Pathogenic for Primary pulmonary hypertension. Last evaluated: 2023-11-24. Review status: criteria provided, single submitter. Criteria: Invitae Variant Classification Sherloc (09022015). Collection method: clinical testing. Allele origin: germline.
Comment: This sequence change creates a premature translational stop signal (p.Met791Argfs*15) in the BMPR2 gene. It is expected to result in an absent or disrupted protein product. Loss-of-function variants in BMPR2 are known to be pathogenic (PMID: 16429395). This variant is not present in population databases (gnomAD no frequency). This variant has not been reported in the literature in individuals affected with BMPR2-related conditions. For these reasons, this variant has been classified as Pathogenic.

Literature cited by the submitters: PubMed 16429395.